The following is an entry in ClinVar:

NM_032553.3(GPR174):c.263C>A (p.Pro88His)

Gene: GPR174 (G protein-coupled receptor 174; plus strand). Cytogenetic location: Xq21.1.
Variant type: single nucleotide variant.
Coding change: c.263C>A on transcript NM_032553.3 (MANE Select); coding-DNA position 263, C replaced by A.
Protein change: p.Pro88His; replaces proline 88 with histidine.
Molecular consequence: missense variant.
Genome position (GRCh38, 1-based): chrX:79,171,270, C>A. VCF-style: chrX-79171270-C-A. GRCh37 (hg19) VCF-style: chrX-78426767-C-A.
Other names: short protein forms P88H.
Identifiers: ClinVar variation 3041228 (VCV003041228.2), dbSNP rs147721174, ClinGen allele CA10460848.

ClinVar aggregate classification (germline): Likely benign (0 of 4 stars; one submission).

Conditions:
GPR174-related disorder. Also called: GPR174-related condition.

Allele frequency attached by ClinVar (database versions not stated): 1000 Genomes Project 0.00106; ESP Exome Variant Server 0.00142; 1000 Genomes Project 30x 0.00146; gnomAD 0.00187; TOPMed 0.00218; ExAC 0.00224.
gnomAD v4.1: 3,439 of 1,209,893 alleles (0.28%); highest among the groups gnomAD compares: Middle Eastern, 0.62%; 8 homozygotes.

Submission:

PreventionGenetics, part of Exact Sciences
Classification: Likely benign for GPR174-related condition. Last evaluated: 2023-10-11. Review status: no assertion criteria provided. Collection method: clinical testing. Allele origin: germline.
Comment: This variant is classified as likely benign based on ACMG/AMP sequence variant interpretation guidelines (Richards et al. 2015 PMID: 25741868, with internal and published modifications).